The following is an entry in ClinVar:

NM_013275.6(ANKRD11):c.7436A>G (p.Asp2479Gly)

Gene: ANKRD11 (ankyrin repeat domain containing 11; minus strand). Cytogenetic location: 16q24.3.
Variant type: single nucleotide variant.
Coding change: c.7436A>G on transcript NM_013275.6 (MANE Select); coding-DNA position 7436, A replaced by G.
Protein change: p.Asp2479Gly; replaces aspartic acid 2479 with glycine.
Molecular consequence: missense variant.
Genome position (GRCh38, 1-based): chr16:89,279,106, T>C on the plus strand (A>G on the coding strand, the complement: ANKRD11 is on the minus strand). VCF-style: chr16-89279106-T-C. GRCh37 (hg19) VCF-style: chr16-89345514-T-C.
Other names: c.7436A>G, p.Asp2479Gly (NM_001256182.2, NM_001256183.2); short protein forms D2479G.
Identifiers: ClinVar variation 546552 (VCV000546552.3), dbSNP rs1555524796, ClinGen allele CA397148355.
Genomic context (GRCh38, chr16:89,279,106, plus strand): 5'-GTGGCTCTCCCGGGCCCCGCACTCACCACGGGGATGTGGAGCTTGCTGAGCGGCTTGCCG[T>C]CCAGGAGGTAGGAGCCCGTGTAGGTGACGTACTCGGCGTAGCACTGGGGCGCCTGCGGCG-3'
Protein context (NP_037407.4, residues 2469-2489): YVTYTGSYLL[Asp2479Gly]GKPLSKLHIP

ClinVar aggregate classification (germline): Uncertain significance (1 of 4 stars; one submission).

Submission:

GeneDx
Classification: Uncertain significance. Last evaluated: 2019-10-04. Review status: criteria provided, single submitter. Criteria: GeneDx Variant Classification Process June 2021. Collection method: clinical testing. Allele origin: germline. Affected: yes.
Comment: Not observed in large population cohorts (Lek et al., 2016); In silico analysis, which includes protein predictors and evolutionary conservation, supports a deleterious effect; Has not been previously published as pathogenic or benign to our knowledge